The following is an entry in ClinVar:

NM_001846.4(COL4A2):c.708C>T (p.Tyr236=)

Gene: COL4A2 (collagen type IV alpha 2 chain; plus strand). Cytogenetic location: 13q34.
Variant type: single nucleotide variant.
Coding change: c.708C>T on transcript NM_001846.4 (MANE Select); coding-DNA position 708, C replaced by T.
Protein change: p.Tyr236=; no amino-acid change (tyrosine 236 retained).
Molecular consequence: synonymous variant.
Genome position (GRCh38, 1-based): chr13:110,434,424, C>T. VCF-style: chr13-110434424-C-T. GRCh37 (hg19) VCF-style: chr13-111086771-C-T.
Identifiers: ClinVar variation 881572 (VCV000881572.7), dbSNP rs775257372, ClinGen allele CA7049057.

ClinVar aggregate classification (germline): Conflicting classifications of pathogenicity. Review status: criteria provided, conflicting classifications (1 of 4 stars). 2 submissions from 2 submitters: Uncertain significance (1); Benign (1). Last evaluated 2024-06-03.

Conditions:
Brain small vessel disease 2A, autosomal dominant. Also called: Porencephaly 2. Identifiers: Orphanet 2940, Orphanet 99810, MedGen C3280970, MONDO:0013773, OMIM 614483.

Allele frequency attached by ClinVar (database versions not stated): TOPMed 0.00001; ExAC 0.00002; gnomAD exomes 0.00002 and 0.00003; gnomAD 0.00006.
gnomAD v4.1: 54 of 1,613,632 alleles (0.0033%); highest among the groups gnomAD compares: African/African-American, 0.008%; no homozygotes.

Submissions (2):

Labcorp Genetics (formerly Invitae), Labcorp
Classification: Uncertain significance. Last evaluated: 2024-06-03. Review status: criteria provided, single submitter. Criteria: Invitae Variant Classification Sherloc (09022015). Collection method: clinical testing. Allele origin: germline.
Comment: This sequence change affects codon 236 of the COL4A2 mRNA. It is a 'silent' change, meaning that it does not change the encoded amino acid sequence of the COL4A2 protein. This variant is present in population databases (rs775257372, gnomAD 0.01%). This variant has not been reported in the literature in individuals affected with COL4A2-related conditions. ClinVar contains an entry for this variant (Variation ID: 881572). Algorithms developed to predict the effect of sequence changes on RNA splicing suggest that this variant may disrupt the consensus splice site. In summary, the available evidence is currently insufficient to determine the role of this variant in disease. Therefore, it has been classified as a Variant of Uncertain Significance.

Illumina Laboratory Services, Illumina
Classification: Benign for Brain small vessel disease 2A, autosomal dominant. Last evaluated: 2018-01-13. Review status: criteria provided, single submitter. Criteria: ICSL Variant Classification Criteria 13 December 2019. Collection method: clinical testing. Allele origin: germline.
Comment: This variant was observed in the ICSL laboratory as part of a predisposition screen in an ostensibly healthy population. It had not been previously curated by ICSL or reported in the Human Gene Mutation Database (HGMD: prior to June 1st, 2018), and was therefore a candidate for classification through an automated scoring system. Utilizing variant allele frequency, disease prevalence and penetrance estimates, and inheritance mode, an automated score was calculated to assess if this variant is too frequent to cause the disease. Based on the score and internal cut-off values, a variant classified as benign is not then subjected to further curation. The score for this variant resulted in a classification of benign for this disease.